The following is an entry in ClinVar:

NM_002303.6(LEPR):c.209C>A (p.Pro70His)

Gene: LEPR (leptin receptor; plus strand). Cytogenetic location: 1p31.3.
Variant type: single nucleotide variant.
Coding change: c.209C>A on transcript NM_002303.6 (MANE Select); coding-DNA position 209, C replaced by A.
Protein change: p.Pro70His; replaces proline 70 with histidine.
Molecular consequence: missense variant.
Genome position (GRCh38, 1-based): chr1:65,570,641, C>A. VCF-style: chr1-65570641-C-A. GRCh37 (hg19) VCF-style: chr1-66036324-C-A.
Other names: c.209C>A, p.Pro70His (NM_001003679.3, NM_001003680.3, NM_001198687.2 and 2 more transcripts); short protein forms P70H.
Identifiers: ClinVar variation 3344023 (VCV003344023.1).

ClinVar aggregate classification (germline): Uncertain significance (0 of 4 stars; one submission).

Conditions:
LEPR-related disorder. Also called: LEPR-related condition; LEPR-related disorders.

Submission:

PreventionGenetics, part of Exact Sciences
Classification: Uncertain significance for LEPR-related condition. Last evaluated: 2024-04-30. Review status: no assertion criteria provided. Collection method: clinical testing. Allele origin: germline.
Comment: The LEPR c.209C>A variant is predicted to result in the amino acid substitution p.Pro70His. To our knowledge, this variant has not been reported in the affected individuals or in a large population database, indicating this variant is rare. In vitro functional studies showed function similar to wild-type levels (Supplemental Data Set, Shah et al. 2023. PubMed ID: 36864747). At this time, the clinical significance of this variant is uncertain due to the absence of conclusive functional and genetic evidence.